The following is an entry in ClinVar:

ClinVar aggregate classification (germline): Uncertain significance (1 of 4 stars; one submission).

Submission:

GeneDx
Classification: Uncertain significance. Last evaluated: 2023-05-01. Review status: criteria provided, single submitter. Criteria: GeneDx Variant Classification Process June 2021. Collection method: clinical testing. Allele origin: germline. Affected: yes.
Comment: Not observed at significant frequency in large population cohorts (gnomAD); In silico analysis supports that this missense variant does not alter protein structure/function; Has not been previously published as pathogenic or benign to our knowledge

NM_004172.5(SLC1A3):c.84G>T (p.Leu28Phe)

Gene: SLC1A3 (solute carrier family 1 member 3; plus strand). Cytogenetic location: 5p13.2.
Variant type: single nucleotide variant.
Coding change: c.84G>T on transcript NM_004172.5 (MANE Select); coding-DNA position 84, G replaced by T.
Protein change: p.Leu28Phe; replaces leucine 28 with phenylalanine.
Molecular consequence: missense variant.
Genome position (GRCh38, 1-based): chr5:36,608,507, G>T. VCF-style: chr5-36608507-G-T. GRCh37 (hg19) VCF-style: chr5-36608609-G-T.
Other names: c.84G>T, p.Leu28Phe (NM_001166695.3, NM_001166696.3, NM_001289939.2 and 1 more transcripts); short protein forms L28F.
Identifiers: ClinVar variation 2662108 (VCV002662108.1), dbSNP rs2477871548, ClinGen allele CA359485667.